The following is an entry in ClinVar:

NM_006922.4(SCN3A):c.4484C>T (p.Ala1495Val)

Gene: SCN3A (sodium voltage-gated channel alpha subunit 3; minus strand). Cytogenetic location: 2q24.3.
Variant type: single nucleotide variant.
Coding change: c.4484C>T on transcript NM_006922.4 (MANE Select); coding-DNA position 4484, C replaced by T.
Protein change: p.Ala1495Val; replaces alanine 1495 with valine.
Molecular consequence: missense variant.
Genome position (GRCh38, 1-based): chr2:165,094,426, G>A on the plus strand (C>T on the coding strand, the complement: SCN3A is on the minus strand). VCF-style: chr2-165094426-G-A. GRCh37 (hg19) VCF-style: chr2-165950936-G-A.
Other names: c.4337C>T, p.Ala1446Val (NM_001081676.2, NM_001081677.2); short protein forms A1446V, A1495V.
Identifiers: ClinVar variation 1806345 (VCV001806345.4), dbSNP rs2468055079, ClinGen allele CA349020463.

ClinVar aggregate classification (germline): Conflicting classifications of pathogenicity. Review status: criteria provided, conflicting classifications (1 of 4 stars). 2 submissions from 2 submitters: Likely pathogenic (1); Uncertain significance (1). Last evaluated 2024-09-21.

Conditions:
Developmental and epileptic encephalopathy, 62. Also called: Early infantile epileptic encephalopathy 62. Identifiers: MedGen C4693699, MONDO:0033371, OMIM 617938.

Submissions (2):

Victorian Clinical Genetics Services, Murdoch Childrens Research Institute
Classification: Likely pathogenic for Developmental and epileptic encephalopathy, 62. Last evaluated: 2024-09-21. Review status: criteria provided, single submitter. Criteria: ACMG Guidelines, 2015. Collection method: clinical testing. Allele origin: germline. Inheritance: Autosomal dominant inheritance. Affected: yes.
Comment: Based on the classification scheme VCGS_Germline_v1.3.4, this variant is classified as Likely pathogenic. Following criteria are met: 0101 - Gain of function is a known mechanism of disease in this gene and is associated with familial focal epilepsy with variable foci 4 (MIM#617935) and developmental and epileptic encephalopathy 62 (DEE; MIM#617938). Although, a single frameshift variant predicted to have a null effect has been reported in an individual with DEE (ClinGen GCEP). (I) 0107 - This gene is associated with autosomal dominant disease. (I) 0112 - The condition associated with this gene has incomplete penetrance. It has been reported in a single family (PMID: 18242854). (I) 0200 - Variant is predicted to result in a missense amino acid change from alanine to valine. (I) 0251 - This variant is heterozygous. (I) 0301 - Variant is absent from gnomAD (both v2 and v3). (SP) 0501 - Missense variant consistently predicted to be damaging by multiple in silico tools or highly conserved with a major amino acid change. (SP) 0600 - Variant is located in the annotated sodium channel gate domain (NCBI). (I) 0705 - No comparable missense variants in the same codon have previous evidence for pathogenicity. (I) 0807 - This variant has no previous evidence of pathogenicity. (I) 0905 - No published segregation evidence has been identified for this variant. (I) 1007 - No published functional evidence has been identified for this variant. (SP) Legend: (SP) - Supporting pathogenic, (I) - Information, (SB) - Supporting benign

GeneDx
Classification: Uncertain significance. Last evaluated: 2024-03-21. Review status: criteria provided, single submitter. Criteria: GeneDx Variant Classification Process June 2021. Collection method: clinical testing. Allele origin: germline. Affected: yes.
Comment: Not observed at significant frequency in large population cohorts (gnomAD); In silico analysis supports that this missense variant has a deleterious effect on protein structure/function; Has not been previously published as pathogenic or benign to our knowledge

Literature cited by the submitters: PubMed 18242854 (cited by Victorian Clinical Genetics Services, Murdoch Childrens Research Institute); PubMed 29466837 (cited by Victorian Clinical Genetics Services, Murdoch Childrens Research Institute).